The following is an entry in ClinVar:

ClinVar aggregate classification (germline): Uncertain significance (1 of 4 stars; one submission).

Conditions:
Long QT syndrome (LQTS). Identifiers: MedGen C0023976, MeSH D008133, MONDO:0002442. Disease mechanism: loss of function. Inheritance: Various modes of inheritance.

Submission:

Labcorp Genetics (formerly Invitae), Labcorp
Classification: Uncertain significance for Long QT syndrome. Last evaluated: 2022-08-09. Review status: criteria provided, single submitter. Criteria: Invitae Variant Classification Sherloc (09022015). Collection method: clinical testing. Allele origin: germline.
Comment: In summary, the available evidence is currently insufficient to determine the role of this variant in disease. Therefore, it has been classified as a Variant of Uncertain Significance. Algorithms developed to predict the effect of missense changes on protein structure and function are either unavailable or do not agree on the potential impact of this missense change (SIFT: "Deleterious"; PolyPhen-2: "Probably Damaging"; Align-GVGD: "Class C0"). ClinVar contains an entry for this variant (Variation ID: 1468319). This variant has not been reported in the literature in individuals affected with AKAP9-related conditions. This variant is not present in population databases (gnomAD no frequency). This sequence change replaces alanine, which is neutral and non-polar, with threonine, which is neutral and polar, at codon 578 of the AKAP9 protein (p.Ala578Thr).

NM_005751.5(AKAP9):c.1732G>A (p.Ala578Thr)

Gene: AKAP9 (A-kinase anchoring protein 9; plus strand). Cytogenetic location: 7q21.2.
Variant type: single nucleotide variant.
Coding change: c.1732G>A on transcript NM_005751.5 (MANE Select); coding-DNA position 1732, G replaced by A.
Protein change: p.Ala578Thr; replaces alanine 578 with threonine.
Molecular consequence: missense variant.
Genome position (GRCh38, 1-based): chr7:92,001,649, G>A. VCF-style: chr7-92001649-G-A. GRCh37 (hg19) VCF-style: chr7-91630963-G-A.
Other names: c.1732G>A, p.Ala578Thr (NM_147185.3); short protein forms A578T.
Identifiers: ClinVar variation 1468319 (VCV001468319.6), dbSNP rs2130665727, ClinGen allele CA368122457.